The following is an entry in ClinVar:

ClinVar aggregate classification (germline): Likely pathogenic. Review status: criteria provided, single submitter (1 of 4 stars). 2 submissions from 2 submitters: Likely pathogenic (1). 1 of the submissions does not count toward it. Last evaluated 2021-03-26.

Conditions:
Familial thoracic aortic aneurysm and aortic dissection (TAAD). Also called: Thoracic aortic aneurysms and dissections. Identifiers: Orphanet 91387, MedGen C4707243, MONDO:0019625.
Marfan syndrome (MFS). Also called: Marfan syndrome type 1; Marfan syndrome, classic; Marfan's syndrome; FBN1-Related Marfan Syndrome; MARFAN SYNDROME, TYPE I. Identifiers: Orphanet 284963, Orphanet 558, MedGen C0024796, MONDO:0007947, OMIM 154700.

Allele frequency attached by ClinVar (database versions not stated): gnomAD exomes below 0.00001.
gnomAD v4.1: 1 of 1,614,002 alleles (0.000062%); highest among the groups gnomAD compares: Non-Finnish European, 0.000085%; no homozygotes.

Submissions (2):

Labcorp Genetics (formerly Invitae), Labcorp
Classification: Likely pathogenic for Marfan syndrome; Familial thoracic aortic aneurysm and aortic dissection. Last evaluated: 2021-03-26. Review status: criteria provided, single submitter. Criteria: Invitae Variant Classification Sherloc (09022015). Collection method: clinical testing. Allele origin: germline.
Comment: This sequence change affects a donor splice site in intron 45 of the FBN1 gene. It is expected to disrupt RNA splicing. Variants that disrupt the donor or acceptor splice site typically lead to a loss of protein function (PMID: 16199547), and loss-of-function variants in FBN1 are known to be pathogenic (PMID: 17657824, 19293843). This variant is not present in population databases (ExAC no frequency). This variant has been observed in individual(s) with aortic aneurysm (Invitae). ClinVar contains an entry for this variant (Variation ID: 549288). Algorithms developed to predict the effect of sequence changes on RNA splicing suggest that this variant may disrupt the consensus splice site, but this prediction has not been confirmed by published transcriptional studies. In summary, the currently available evidence indicates that the variant is pathogenic, but additional data are needed to prove that conclusively. Therefore, this variant has been classified as Likely Pathogenic.

Center for Medical Genetics Ghent, University of Ghent
Classification: Likely pathogenic for Marfan syndrome. Last evaluated: 2017-11-07. Review status: no assertion criteria provided. Collection method: clinical testing. Allele origin: germline. Affected: yes. Not counted in ClinVar's aggregate classification.

Literature cited by the submitters: PubMed 16199547 (cited by Labcorp Genetics (formerly Invitae), Labcorp); PubMed 17657824 (cited by Labcorp Genetics (formerly Invitae), Labcorp); PubMed 19293843 (cited by Labcorp Genetics (formerly Invitae), Labcorp).

NM_000138.5(FBN1):c.5545+1G>A

Gene: FBN1 (fibrillin 1; minus strand). Cytogenetic location: 15q21.1.
Variant type: single nucleotide variant.
Coding change: c.5545+1G>A on transcript NM_000138.5 (MANE Select); the canonical splice donor site of the intron after coding-DNA position 5545, G replaced by A.
Molecular consequence: splice donor variant.
Genome position (GRCh38, 1-based): chr15:48,452,561, C>T on the plus strand (G>A on the coding strand, the complement: FBN1 is on the minus strand). VCF-style: chr15-48452561-C-T. GRCh37 (hg19) VCF-style: chr15-48744758-C-T.
Other names: c.5545+1G>A (NM_001406716.1).
Identifiers: ClinVar variation 549288 (VCV000549288.9), dbSNP rs1260109901, ClinGen allele CA392343844.